The following is an entry in ClinVar:

ClinVar aggregate classification (germline): Uncertain significance. Review status: criteria provided, multiple submitters, no conflicts (2 of 4 stars). 2 submissions from 2 submitters: Uncertain significance (2). Last evaluated 2024-12-10.

Conditions:
Hereditary spastic paraplegia 6 (SPG6). Also called: SPASTIC PARAPLEGIA 6, AUTOSOMAL DOMINANT. Identifiers: Orphanet 100988, MedGen C1838192, MONDO:0010878, OMIM 600363.

Allele frequency attached by ClinVar (database versions not stated): gnomAD below 0.00001 and 0.00001; gnomAD exomes 0.00001 and 0.00002; TOPMed 0.00001; ExAC 0.00002.
gnomAD v4.1: 14 of 1,613,584 alleles (0.00087%); highest among the groups gnomAD compares: South Asian, 0.0022%; no homozygotes.

Submissions (2):

GeneDx
Classification: Uncertain significance. Last evaluated: 2024-12-10. Review status: criteria provided, single submitter. Criteria: GeneDx Variant Classification Process June 2021. Collection method: clinical testing. Allele origin: germline. Affected: yes.
Comment: In silico analysis supports that this missense variant has a deleterious effect on protein structure/function; Has not been previously published as pathogenic or benign to our knowledge

Labcorp Genetics (formerly Invitae), Labcorp
Classification: Uncertain significance for Hereditary spastic paraplegia 6. Last evaluated: 2024-08-19. Review status: criteria provided, single submitter. Criteria: Invitae Variant Classification Sherloc (09022015). Collection method: clinical testing. Allele origin: germline.
Comment: This sequence change replaces threonine, which is neutral and polar, with methionine, which is neutral and non-polar, at codon 299 of the NIPA1 protein (p.Thr299Met). This variant is present in population databases (rs756976675, gnomAD 0.01%). This variant has not been reported in the literature in individuals affected with NIPA1-related conditions. ClinVar contains an entry for this variant (Variation ID: 453080). An algorithm developed to predict the effect of missense changes on protein structure and function (PolyPhen-2) suggests that this variant is likely to be tolerated. In summary, the available evidence is currently insufficient to determine the role of this variant in disease. Therefore, it has been classified as a Variant of Uncertain Significance.

NM_144599.5(NIPA1):c.896C>T (p.Thr299Met)

Gene: NIPA1 (NIPA magnesium transporter 1; plus strand). Cytogenetic location: 15q11.2.
Variant type: single nucleotide variant.
Coding change: c.896C>T on transcript NM_144599.5 (MANE Select); coding-DNA position 896, C replaced by T.
Protein change: p.Thr299Met; replaces threonine 299 with methionine.
Molecular consequence: missense variant.
Genome position (GRCh38, 1-based): chr15:22,824,145, C>T. VCF-style: chr15-22824145-C-T. GRCh37 (hg19) VCF-style: chr15-23048923-G-A.
Other names: c.671C>T, p.Thr224Met (NM_001142275.1); short protein forms T299M, T224M.
Identifiers: ClinVar variation 453080 (VCV000453080.5), dbSNP rs756976675, ClinGen allele CA7425977.
Genomic context (GRCh38, chr15:22,824,145, plus strand): 5'-TCTTCCGGGAGTGGAGCAACGTGGGCCTGGTGGACTTCTTGGGGATGGCCTGTGGATTCA[C>T]GACCGTCTCCGTGGGGATTGTCCTTATACAGGTGTTCAAAGAGTTCAATTTCAACCTTGG-3'
Protein context (NP_653200.2, residues 289-309): VDFLGMACGF[Thr299Met]TVSVGIVLIQ